The following is an entry in ClinVar:

ClinVar aggregate classification (germline): Uncertain significance (1 of 4 stars; one submission).

Conditions:
Hyperaldosteronism, familial, type IV (HALD4). Also called: FH IV; ALDOSTERONISM, PRIMARY, AND HYPERTENSION. Identifiers: Orphanet 642671, MedGen C4310756, MONDO:0014875, OMIM 617027.
Idiopathic generalized epilepsy. Also called: Generalised epilepsy; EIG. Identifiers: MedGen C0270850, MONDO:0005579, OMIM 600669.

Submission:

Labcorp Genetics (formerly Invitae), Labcorp
Classification: Uncertain significance for Idiopathic generalized epilepsy; Hyperaldosteronism, familial, type IV. Last evaluated: 2022-11-22. Review status: criteria provided, single submitter. Criteria: Invitae Variant Classification Sherloc (09022015). Collection method: clinical testing. Allele origin: germline.
Comment: This variant has not been reported in the literature in individuals affected with CACNA1H-related conditions. This variant is not present in population databases (gnomAD no frequency). This sequence change replaces glutamic acid, which is acidic and polar, with aspartic acid, which is acidic and polar, at codon 1568 of the CACNA1H protein (p.Glu1568Asp). ClinVar contains an entry for this variant (Variation ID: 1524315). In summary, the available evidence is currently insufficient to determine the role of this variant in disease. Therefore, it has been classified as a Variant of Uncertain Significance. Advanced modeling of protein sequence and biophysical properties (such as structural, functional, and spatial information, amino acid conservation, physicochemical variation, residue mobility, and thermodynamic stability) performed at Invitae indicates that this missense variant is expected to disrupt CACNA1H protein function.

NM_021098.3(CACNA1H):c.4704G>C (p.Glu1568Asp)

Gene: CACNA1H (calcium voltage-gated channel subunit alpha1 H; plus strand). Cytogenetic location: 16p13.3.
Variant type: single nucleotide variant.
Coding change: c.4704G>C on transcript NM_021098.3 (MANE Select); coding-DNA position 4704, G replaced by C.
Protein change: p.Glu1568Asp; replaces glutamic acid 1568 with aspartic acid.
Molecular consequence: missense variant.
Genome position (GRCh38, 1-based): chr16:1,212,083, G>C. VCF-style: chr16-1212083-G-C. GRCh37 (hg19) VCF-style: chr16-1262083-G-C.
Other names: c.4704G>C, p.Glu1568Asp (NM_001005407.2); short protein forms E1568D.
Identifiers: ClinVar variation 1524315 (VCV001524315.8), dbSNP rs967037376, ClinGen allele CA276669620.
Genomic context (GRCh38, chr16:1,212,083, plus strand): 5'-CATGTTCGTGGGCGTCGTGGTCGAGAACTTCCACAAGTGCCGGCAGCACCAGGAGGCGGA[G>C]GAGGCGCGGCGGCGAGAGGAGAAGCGGCTGCGGCGCCTAGAGAGGAGGCGCAGGAGTAAG-3'
Protein context (NP_066921.2, residues 1558-1578): FHKCRQHQEA[Glu1568Asp]EARRREEKRL